The following is an entry in ClinVar:

ClinVar aggregate classification (germline): Likely pathogenic (1 of 4 stars; one submission).

Submission:

Dasa
Classification: Likely pathogenic. Last evaluated: 2025-11-21. Review status: criteria provided, single submitter. Criteria: DASA Assertion Criteria. Collection method: clinical testing. Allele origin: germline.
Comment: NM_014444.5(TUBGCP4):c.537_538insAATGGGGT (p.His180Asnfs*54) is a frameshift variant in TUBGCP4 predicted to alter the reading frame and introduce a premature termination codon and is predicted to result in an absent or altered protein product. Loss of function is an established disease mechanism for TUBGCP4-associated disorders. Also, this variant is absent from population databases. Based on the currently available evidence, this variant is classified as likely pathogenic.

NM_014444.5(TUBGCP4):c.537_538insAATGGGGT (p.His180fs)

Gene: TUBGCP4 (tubulin gamma complex component 4; plus strand). Cytogenetic location: 15q15.3.
Variant type: Insertion.
Coding change: c.537_538insAATGGGGT on transcript NM_014444.5 (MANE Select); coding-DNA positions 537 to 538, AATGGGGT inserted.
Protein change: p.His180fs; shifts the reading frame from histidine 180.
Molecular consequence: frameshift variant.
Genome position: GRCh38 VCF-style: chr15-43383316-T-TGTAATGGG. GRCh37 (hg19) VCF-style: chr15-43675514-T-TGTAATGGG.
Other names: c.537_538insAATGGGGT, p.His180fs (NM_001286414.3); short protein forms H180fs.
Identifiers: ClinVar variation 4880781 (VCV004880781.2).